The following is an entry in ClinVar:

NM_017947.4(MOCOS):c.1897C>T (p.Arg633Trp)

Gene: MOCOS (molybdenum cofactor sulfurase; plus strand). Cytogenetic location: 18q12.2.
Variant type: single nucleotide variant.
Coding change: c.1897C>T on transcript NM_017947.4 (MANE Select); coding-DNA position 1897, C replaced by T.
Protein change: p.Arg633Trp; replaces arginine 633 with tryptophan.
Molecular consequence: missense variant.
Genome position (GRCh38, 1-based): chr18:36,220,154, C>T. VCF-style: chr18-36220154-C-T. GRCh37 (hg19) VCF-style: chr18-33800117-C-T.
Other names: short protein forms R633W.
Identifiers: ClinVar variation 1521955 (VCV001521955.6), dbSNP rs372021256, ClinGen allele CA8940858.

ClinVar aggregate classification (germline): Uncertain significance (1 of 4 stars; one submission).

Conditions:
Xanthinuria type II. Also called: Xanthine dehydrogenase and aldehyde oxidase combined deficiency of; XDH and AOX dual deficiency. Identifiers: Orphanet 3467, Orphanet 93602, MedGen C1863688, MONDO:0011346, OMIM 603592.

Allele frequency attached by ClinVar (database versions not stated): gnomAD exomes below 0.00001; gnomAD 0.00001; ExAC 0.00002; ESP Exome Variant Server 0.00008.

Submission:

Labcorp Genetics (formerly Invitae), Labcorp
Classification: Uncertain significance for Xanthinuria type II. Last evaluated: 2025-10-13. Review status: criteria provided, single submitter. Criteria: Invitae Variant Classification Sherloc (09022015). Collection method: clinical testing. Allele origin: germline.
Comment: This sequence change replaces arginine, which is basic and polar, with tryptophan, which is neutral and slightly polar, at codon 633 of the MOCOS protein (p.Arg633Trp). This variant is present in population databases (rs372021256, gnomAD 0.005%). This variant has not been reported in the literature in individuals affected with MOCOS-related conditions. ClinVar contains an entry for this variant (Variation ID: 1521955). Invitae Evidence Modeling of protein sequence and biophysical properties (such as structural, functional, and spatial information, amino acid conservation, physicochemical variation, residue mobility, and thermodynamic stability) indicates that this missense variant is expected to disrupt MOCOS protein function with a positive predictive value of 80%. In summary, the available evidence is currently insufficient to determine the role of this variant in disease. Therefore, it has been classified as a Variant of Uncertain Significance.